The following is an entry in ClinVar:

ClinVar aggregate classification (germline): Uncertain significance (1 of 4 stars; one submission).

Submission:

GeneDx
Classification: Uncertain significance. Last evaluated: 2023-11-30. Review status: criteria provided, single submitter. Criteria: GeneDx Variant Classification Process June 2021. Collection method: clinical testing. Allele origin: germline. Affected: yes.
Comment: Not observed at significant frequency in large population cohorts (gnomAD); In silico analysis supports that this missense variant has a deleterious effect on protein structure/function; Has not been previously published as pathogenic or benign to our knowledge

NM_005982.4(SIX1):c.518A>C (p.Lys173Thr)

Genes: MIR9718 (microRNA 9718; plus strand), SIX1 (SIX homeobox 1; minus strand). Cytogenetic location: 14q23.1.
Variant type: single nucleotide variant.
Coding change: c.518A>C on transcript NM_005982.4 (MANE Select); coding-DNA position 518, A replaced by C.
Protein change: p.Lys173Thr; replaces lysine 173 with threonine.
Molecular consequence: missense variant. On other transcripts: non-coding transcript variant (1), intron variant (1).
Genome position (GRCh38, 1-based): chr14:60,648,672, T>G on the plus strand (A>C on the coding strand, the complement: SIX1 is on the minus strand). VCF-style: chr14-60648672-T-G. GRCh37 (hg19) VCF-style: chr14-61115390-T-G.
Other names: c.501+17A>C (NM_001425142.1); short protein forms K173T.
Identifiers: ClinVar variation 3364920 (VCV003364920.1).